The following is an entry in ClinVar:

ClinVar aggregate classification (germline): Likely benign. Review status: criteria provided, multiple submitters, no conflicts (2 of 4 stars). 2 submissions from 2 submitters: Likely benign (2). Last evaluated 2026-03-27.

Conditions:
Autosomal recessive limb-girdle muscular dystrophy type 2J (LGMDR10). Also called: Limb-girdle muscular dystrophy, type 2J; MUSCULAR DYSTROPHY, LIMB-GIRDLE, AUTOSOMAL RECESSIVE 10. Identifiers: Orphanet 140922, MedGen C1837342, MONDO:0012127, OMIM 608807.
Dilated cardiomyopathy 1G (CMD1G). Identifiers: Orphanet 154, MedGen C1858763, MONDO:0011400, OMIM 604145.

gnomAD v4.1: 2 of 1,610,148 alleles (0.00012%); highest among the groups gnomAD compares: East Asian, 0.0022%; no homozygotes.

Submissions (2):

Molecular Diagnostic Laboratory for Inherited Cardiovascular Disease, Montreal Heart Institute
Classification: Likely benign. Last evaluated: 2026-03-27. Review status: criteria provided, single submitter. Criteria: ACMG Guidelines, 2015. Collection method: clinical testing. Allele origin: germline. Affected: no.
Comment: BP7

Labcorp Genetics (formerly Invitae), Labcorp
Classification: Likely benign for Dilated cardiomyopathy 1G; Autosomal recessive limb-girdle muscular dystrophy type 2J. Last evaluated: 2024-03-27. Review status: criteria provided, single submitter. Criteria: Invitae Variant Classification Sherloc (09022015). Collection method: clinical testing. Allele origin: germline.

NM_001267550.2(TTN):c.65614T>C (p.Leu21872=)

Genes: TTN (titin; minus strand), TTN-AS1 (TTN antisense RNA 1; plus strand). Cytogenetic location: 2q31.2.
Variant type: single nucleotide variant.
Coding change: c.65614T>C on transcript NM_001267550.2 (MANE Select); coding-DNA position 65614, T replaced by C.
Protein change: p.Leu21872=; no amino-acid change (leucine 21872 retained).
Molecular consequence: synonymous variant.
Genome position (GRCh38, 1-based): chr2:178,583,189, A>G on the plus strand (T>C on the coding strand, the complement: TTN is on the minus strand). VCF-style: chr2-178583189-A-G. GRCh37 (hg19) VCF-style: chr2-179447916-A-G.
Other names: c.60691T>C, p.Leu20231= (NM_001256850.1); c.38419T>C, p.Leu12807= (NM_003319.4); c.57910T>C, p.Leu19304= (NM_133378.4); c.38794T>C, p.Leu12932= (NM_133432.3); c.38995T>C, p.Leu12999= (NM_133437.4).
Identifiers: ClinVar variation 3755030 (VCV003755030.3), dbSNP rs768911566.